The following is an entry in ClinVar:

ClinVar aggregate classification (germline): Uncertain significance (1 of 4 stars; one submission).

Conditions:
COL9A2-related disorder. Also called: COL9A2-related condition.

Allele frequency attached by ClinVar (database versions not stated): gnomAD exomes 0.00001.
gnomAD v4.1: 14 of 1,563,080 alleles (0.0009%); highest among the groups gnomAD compares: Non-Finnish European, 0.0012%; no homozygotes.

Submission:

PreventionGenetics, part of Exact Sciences
Classification: Uncertain significance for COL9A2-related condition. Last evaluated: 2022-10-04. Review status: criteria provided, single submitter. Criteria: ACMG Guidelines, 2015. Collection method: clinical testing. Allele origin: germline.
Comment: The COL9A2 c.1337T>G variant is predicted to result in the amino acid substitution p.Val446Gly. To our knowledge, this variant has not been reported in the literature or in a large population database, indicating this variant is rare. At this time, the clinical significance of this variant is uncertain due to the absence of conclusive functional and genetic evidence.

NM_001852.4(COL9A2):c.1337T>G (p.Val446Gly)

Gene: COL9A2 (collagen type IX alpha 2 chain; minus strand). Cytogenetic location: 1p34.2.
Variant type: single nucleotide variant.
Coding change: c.1337T>G on transcript NM_001852.4 (MANE Select); coding-DNA position 1337, T replaced by G.
Protein change: p.Val446Gly; replaces valine 446 with glycine.
Molecular consequence: missense variant.
Genome position (GRCh38, 1-based): chr1:40,303,959, A>C on the plus strand (T>G on the coding strand, the complement: COL9A2 is on the minus strand). VCF-style: chr1-40303959-A-C. GRCh37 (hg19) VCF-style: chr1-40769631-A-C.
Other names: short protein forms V446G.
Identifiers: ClinVar variation 2628388 (VCV002628388.1), dbSNP rs2522492533, ClinGen allele CA339879963.
Genomic context (GRCh38, chr1:40,303,959, plus strand): 5'-CCCCGCCCTTCCCTAGGCCGCGCGCTCACCTTCTCGCCTTTCTCTCCGGGGAGGCCGGCC[A>C]CCCCTGGGTCACCCTGCAGAGAGAACCACGGGTCAGACGCGCGGTGGCGGCGGGGACGCA-3'
Protein context (NP_001843.1, residues 436-456): GPRGKVGDPG[Val446Gly]AGLPGEKGEK